The following is an entry in ClinVar:

NM_015072.5(TTLL5):c.1937A>C (p.His646Pro)

Gene: TTLL5 (tubulin tyrosine ligase like 5; plus strand). Cytogenetic location: 14q24.3.
Variant type: single nucleotide variant.
Coding change: c.1937A>C on transcript NM_015072.5 (MANE Select); coding-DNA position 1937, A replaced by C.
Protein change: p.His646Pro; replaces histidine 646 with proline.
Molecular consequence: missense variant.
Genome position (GRCh38, 1-based): chr14:75,766,290, A>C. VCF-style: chr14-75766290-A-C. GRCh37 (hg19) VCF-style: chr14-76232633-A-C.
Other names: short protein forms H646P.
Identifiers: ClinVar variation 1423836 (VCV001423836.8), dbSNP rs1223629458, ClinGen allele CA390467599.

ClinVar aggregate classification (germline): Uncertain significance (1 of 4 stars; one submission).

Submission:

Labcorp Genetics (formerly Invitae), Labcorp
Classification: Uncertain significance. Last evaluated: 2022-07-05. Review status: criteria provided, single submitter. Criteria: Invitae Variant Classification Sherloc (09022015). Collection method: clinical testing. Allele origin: germline.
Comment: In summary, the available evidence is currently insufficient to determine the role of this variant in disease. Therefore, it has been classified as a Variant of Uncertain Significance. Algorithms developed to predict the effect of missense changes on protein structure and function output the following: SIFT: "Tolerated"; PolyPhen-2: "Benign"; Align-GVGD: "Class C0". The proline amino acid residue is found in multiple mammalian species, which suggests that this missense change does not adversely affect protein function. ClinVar contains an entry for this variant (Variation ID: 1423836). This variant has not been reported in the literature in individuals affected with TTLL5-related conditions. This variant is not present in population databases (gnomAD no frequency). This sequence change replaces histidine, which is basic and polar, with proline, which is neutral and non-polar, at codon 646 of the TTLL5 protein (p.His646Pro).